The following is an entry in ClinVar:

ClinVar aggregate classification (germline): Conflicting classifications of pathogenicity. Review status: criteria provided, conflicting classifications (1 of 4 stars). 2 submissions from 2 submitters: Uncertain significance (1); Likely benign (1). Last evaluated 2018-12-06.

Conditions:
Cardiovascular phenotype. Identifiers: MedGen CN230736.

Allele frequency attached by ClinVar (database versions not stated): gnomAD exomes below 0.00001; TOPMed below 0.00001; ExAC 0.00001.
gnomAD v4.1: 1 of 1,613,682 alleles (0.000062%); highest among the groups gnomAD compares: Admixed American, 0.0017%; no homozygotes.

Submissions (2):

Ambry Genetics
Classification: Uncertain significance for Cardiovascular phenotype. Last evaluated: 2018-12-06. Review status: criteria provided, single submitter. Criteria: Ambry Variant Classification Scheme 2023. Collection method: clinical testing. Allele origin: germline.
Comment: The p.A1277V variant (also known as c.3830C>T), located in coding exon 22 of the TTN gene, results from a C to T substitution at nucleotide position 3830. The alanine at codon 1277 is replaced by valine, an amino acid with similar properties. This nucleotide position is highly conserved in available vertebrate species. In addition, the in silico prediction for this alteration is inconclusive. Since supporting evidence is limited at this time, the clinical significance of this alteration remains unclear.

GeneDx
Classification: Likely benign. Last evaluated: 2018-01-31. Review status: criteria provided, single submitter. Criteria: GeneDx Variant Classification (06012015). Collection method: clinical testing. Allele origin: germline. Affected: yes.
Comment: This variant is considered likely benign or benign based on one or more of the following criteria: it is a conservative change, it occurs at a poorly conserved position in the protein, it is predicted to be benign by multiple in silico algorithms, and/or has population frequency not consistent with disease.

NM_001267550.2(TTN):c.3968C>T (p.Ala1323Val)

Genes: TTN (titin; minus strand), LOC101927055 (uncharacterized LOC101927055; plus strand). Cytogenetic location: 2q31.2.
Variant type: single nucleotide variant.
Coding change: c.3968C>T on transcript NM_001267550.2 (MANE Select); coding-DNA position 3968, C replaced by T.
Protein change: p.Ala1323Val; replaces alanine 1323 with valine.
Molecular consequence: missense variant.
Genome position (GRCh38, 1-based): chr2:178,779,114, G>A on the plus strand (C>T on the coding strand, the complement: TTN is on the minus strand). VCF-style: chr2-178779114-G-A. GRCh37 (hg19) VCF-style: chr2-179643841-G-A.
Other names: c.3968C>T, p.Ala1323Val (NM_001256850.1, NM_133378.4, NM_133379.5); c.3830C>T, p.Ala1277Val (NM_003319.4, NM_133432.3, NM_133437.4); short protein forms A1323V, A1277V.
Identifiers: ClinVar variation 515302 (VCV000515302.3), dbSNP rs774954394, ClinGen allele CA2005423.
Genomic context (GRCh38, chr2:178,779,114, plus strand): 5'-TGTAGAAAGTCCATTTGGTATCTTTCTCCATGTTTGATGCGCTTGCCATCTTTGTACCAA[G>A]CAATCTGCAAAGAATACCATGCATGTATGAATAAAATTTACATCAAATAGTTATATTTTA-3'
Protein context (NP_001254479.2, residues 1313-1333): KMSGYPLPKI[Ala1323Val]WYKDGKRIKH